The following is an entry in ClinVar:

NM_003060.4(SLC22A5):c.26C>G (p.Ala9Gly)

Gene: SLC22A5 (solute carrier family 22 member 5; plus strand). Cytogenetic location: 5q31.1.
Variant type: single nucleotide variant.
Coding change: c.26C>G on transcript NM_003060.4 (MANE Select); coding-DNA position 26, C replaced by G.
Protein change: p.Ala9Gly; replaces alanine 9 with glycine.
Molecular consequence: missense variant.
Genome position (GRCh38, 1-based): chr5:132,369,998, C>G. VCF-style: chr5-132369998-C-G. GRCh37 (hg19) VCF-style: chr5-131705690-C-G.
Other names: c.26C>G, p.Ala9Gly (NM_001308122.2); short protein forms A9G.
Identifiers: ClinVar variation 2752411 (VCV002752411.1), dbSNP rs753998904, ClinGen allele CA360802230.

ClinVar aggregate classification (germline): Uncertain significance (1 of 4 stars; one submission).

Conditions:
Renal carnitine transport defect (CDSP). Also called: Primary carnitine deficiency; Systemic primary carnitine deficiency; CARNITINE DEFICIENCY, SYSTEMIC, DUE TO DEFECT IN RENAL REABSORPTION OF CARNITINE; CARNITINE TRANSPORTER, PLASMA-MEMBRANE, DEFICIENCY OF; CARNITINE UPTAKE DEFECT; Carnitine transporter deficiency. Identifiers: Orphanet 158, MedGen C0342788, MONDO:0008919, OMIM 212140.

Submission:

Labcorp Genetics (formerly Invitae), Labcorp
Classification: Uncertain significance for Renal carnitine transport defect. Last evaluated: 2023-11-22. Review status: criteria provided, single submitter. Criteria: Invitae Variant Classification Sherloc (09022015). Collection method: clinical testing. Allele origin: germline.
Comment: This sequence change replaces alanine, which is neutral and non-polar, with glycine, which is neutral and non-polar, at codon 9 of the SLC22A5 protein (p.Ala9Gly). This variant is not present in population databases (gnomAD no frequency). This variant has not been reported in the literature in individuals affected with SLC22A5-related conditions. Advanced modeling of protein sequence and biophysical properties (such as structural, functional, and spatial information, amino acid conservation, physicochemical variation, residue mobility, and thermodynamic stability) has been performed at Invitae for this missense variant, however the output from this modeling did not meet the statistical confidence thresholds required to predict the impact of this variant on SLC22A5 protein function. In summary, the available evidence is currently insufficient to determine the role of this variant in disease. Therefore, it has been classified as a Variant of Uncertain Significance.